The following is an entry in ClinVar:

ClinVar aggregate classification (germline): Uncertain significance (1 of 4 stars; one submission).

Allele frequency attached by ClinVar (database versions not stated): ExAC 0.00001; gnomAD 0.00001; gnomAD exomes 0.00001; TOPMed 0.00001.
gnomAD v4.1: 5 of 1,613,126 alleles (0.00031%); highest among the groups gnomAD compares: South Asian, 0.0033%; no homozygotes.

Submission:

Labcorp Genetics (formerly Invitae), Labcorp
Classification: Uncertain significance. Last evaluated: 2021-07-30. Review status: criteria provided, single submitter. Criteria: Invitae Variant Classification Sherloc (09022015). Collection method: clinical testing. Allele origin: germline.
Comment: In summary, the available evidence is currently insufficient to determine the role of this variant in disease. Therefore, it has been classified as a Variant of Uncertain Significance. Algorithms developed to predict the effect of sequence changes on RNA splicing suggest that this variant may create or strengthen a splice site. Algorithms developed to predict the effect of missense changes on protein structure and function (SIFT, PolyPhen-2, Align-GVGD) all suggest that this variant is likely to be disruptive. This variant has not been reported in the literature in individuals affected with PRDM13-related conditions. This variant is present in population databases (rs777152469, ExAC 0.01%). This sequence change replaces asparagine with serine at codon 627 of the PRDM13 protein (p.Asn627Ser). The asparagine residue is highly conserved and there is a small physicochemical difference between asparagine and serine.

NM_021620.4(PRDM13):c.1880A>G (p.Asn627Ser)

Gene: PRDM13 (PR/SET domain 13; plus strand). Cytogenetic location: 6q16.2.
Variant type: single nucleotide variant.
Coding change: c.1880A>G on transcript NM_021620.4 (MANE Select); coding-DNA position 1880, A replaced by G.
Protein change: p.Asn627Ser; replaces asparagine 627 with serine.
Molecular consequence: missense variant.
Genome position (GRCh38, 1-based): chr6:99,614,515, A>G. VCF-style: chr6-99614515-A-G. GRCh37 (hg19) VCF-style: chr6-100062391-A-G.
Other names: short protein forms N627S.
Identifiers: ClinVar variation 1354242 (VCV001354242.6), dbSNP rs777152469, ClinGen allele CA3936459.